The following is an entry in ClinVar:

NM_001267550.2(TTN):c.105499C>G (p.Gln35167Glu)

Genes: TTN (titin; minus strand), TTN-AS1 (TTN antisense RNA 1; plus strand), LOC129935184 (ATAC-STARR-seq lymphoblastoid active region 16809; plus strand). Cytogenetic location: 2q31.2.
Variant type: single nucleotide variant.
Coding change: c.105499C>G on transcript NM_001267550.2 (MANE Select); coding-DNA position 105499, C replaced by G.
Protein change: p.Gln35167Glu; replaces glutamine 35167 with glutamic acid.
Molecular consequence: missense variant.
Genome position (GRCh38, 1-based): chr2:178,531,116, G>C on the plus strand (C>G on the coding strand, the complement: TTN is on the minus strand). VCF-style: chr2-178531116-G-C. GRCh37 (hg19) VCF-style: chr2-179395843-G-C.
Other names: c.100576C>G, p.Gln33526Glu (NM_001256850.1); c.78304C>G, p.Gln26102Glu (NM_003319.4); c.97795C>G, p.Gln32599Glu (NM_133378.4); c.78679C>G, p.Gln26227Glu (NM_133432.3); c.78880C>G, p.Gln26294Glu (NM_133437.4); short protein forms Q35167E, Q26294E, Q26227E, Q26102E, Q33526E, Q32599E.
Identifiers: ClinVar variation 572249 (VCV000572249.9), dbSNP rs1558994144, ClinGen allele CA349408651.

ClinVar aggregate classification (germline): Uncertain significance (1 of 4 stars; one submission).

Conditions:
Dilated cardiomyopathy 1G (CMD1G). Identifiers: Orphanet 154, MedGen C1858763, MONDO:0011400, OMIM 604145.
Autosomal recessive limb-girdle muscular dystrophy type 2J (LGMDR10). Also called: Limb-girdle muscular dystrophy, type 2J; MUSCULAR DYSTROPHY, LIMB-GIRDLE, AUTOSOMAL RECESSIVE 10. Identifiers: Orphanet 140922, MedGen C1837342, MONDO:0012127, OMIM 608807.

Allele frequency attached by ClinVar (database versions not stated): gnomAD exomes below 0.00001.
gnomAD v4.1: 4 of 1,614,006 alleles (0.00025%); highest among the groups gnomAD compares: South Asian, 0.0011%; no homozygotes.

Submission:

Labcorp Genetics (formerly Invitae), Labcorp
Classification: Uncertain significance for Dilated cardiomyopathy 1G; Autosomal recessive limb-girdle muscular dystrophy type 2J. Last evaluated: 2025-08-20. Review status: criteria provided, single submitter. Criteria: Invitae Variant Classification Sherloc (09022015). Collection method: clinical testing. Allele origin: germline.
Comment: This sequence change replaces glutamine, which is neutral and polar, with glutamic acid, which is acidic and polar, at codon 35167 of the TTN protein (p.Gln35167Glu). This variant is not present in population databases (gnomAD no frequency). This variant has not been reported in the literature in individuals affected with TTN-related conditions. ClinVar contains an entry for this variant (Variation ID: 572249). Experimental studies and prediction algorithms are not available or were not evaluated, and the functional significance of this variant is currently unknown. This variant is located in the M band of TTN (PMID: 25589632). Non-truncating variants in this region may be relevant for neuromuscular disorders, but have not been definitively shown to cause cardiomyopathy (PMID: 23975875). In summary, the available evidence is currently insufficient to determine the role of this variant in disease. Therefore, it has been classified as a Variant of Uncertain Significance.

Literature cited by the submitters: PubMed 25589632; PubMed 23975875.